The following is an entry in ClinVar:

NM_001029891.3(PGAM4):c.80del (p.Asp27fs)

Genes: ATP7A (ATPase copper transporting alpha; plus strand), PGAM4 (phosphoglycerate mutase family member 4; minus strand). Cytogenetic location: Xq21.1.
Variant type: Deletion.
Coding change: c.80del on transcript NM_001029891.3 (MANE Select); coding-DNA position 80, one base deleted (A; older notation c.80delA).
Protein change: p.Asp27fs; shifts the reading frame from aspartic acid 27.
Molecular consequence: frameshift variant. On other transcripts: intron variant (2).
Genome position (GRCh38, 1-based): chrX:77,969,559, T deleted on the plus strand (A on the coding strand, the reverse complement: PGAM4 is on the minus strand). VCF-style (leftmost placement, unchanged base first): chrX-77969558-GT-G. GRCh37 (hg19) VCF-style: chrX-77225055-GT-G.
Other names: c.-21-2062del (NM_000052.7, NM_001282224.2); short protein forms D27fs.
Identifiers: ClinVar variation 5041728 (VCV005041728.1).

ClinVar aggregate classification (germline): Likely benign (1 of 4 stars; one submission).

Submission:

CeGaT Center for Human Genetics Tuebingen
Classification: Likely benign. Last evaluated: 2026-09-01. Review status: criteria provided, single submitter. Criteria: CeGaT Center For Human Genetics Tuebingen Variant Classification Criteria Version 2. Collection method: clinical testing. Allele origin: germline. Affected: yes. Observed: 1 variant allele.
Comment: PGAM4: BS2